The following is an entry in ClinVar:

NM_014714.4(IFT140):c.4208GGC[4] (p.Arg1405dup)

Gene: IFT140 (intraflagellar transport 140; minus strand). Cytogenetic location: 16p13.3.
Variant type: Microsatellite.
Coding change: c.4208GGC[4] on transcript NM_014714.4 (MANE Select); four copies in a row of the 3-base unit GGC starting at c.4208; the reference has three copies in a row; one copy, 3 bases duplicated; also written c.4214_4216dup.
Protein change: p.Arg1405dup; duplicates arginine 1405.
Molecular consequence: inframe insertion.
Genome position (GRCh38, 1-based): chr16:1,511,117-1,511,119, GCC duplicated on the plus strand (GGC on the coding strand, the reverse complement: IFT140 is on the minus strand); duplicating any 3 consecutive bases within chr16:1,511,117-1,511,127 gives the same sequence; the position shown is the placement nearest the transcript's 3' end. VCF-style (leftmost placement, unchanged base first): chr16-1511116-A-AGCC. GRCh37 (hg19) VCF-style: chr16-1561117-A-AGCC.
Other names: c.4214_4216dup (NM_014714.3); c.4214_4216dupGGC (NM_014714.4).
Identifiers: ClinVar variation 719195 (VCV000719195.15), dbSNP rs754312950, ClinGen allele CA7812824.

ClinVar aggregate classification (germline): Likely benign. Review status: criteria provided, multiple submitters, no conflicts (2 of 4 stars). 4 submissions from 4 submitters: Likely benign (3). 1 of the submissions does not count toward it. Last evaluated 2026-01-24.

Conditions:
IFT140-related disorder. Also called: IFT140-related condition.
Retinal dystrophy. Also called: Inherited retinal dystrophy. Identifiers: Orphanet 71862, MedGen C0854723, MeSH D058499, MONDO:0019118, HP:0000556.
Saldino-Mainzer syndrome (SRTD9). Also called: CONORENAL SYNDROME; SHORT-RIB THORACIC DYSPLASIA 9 WITHOUT POLYDACTYLY; short-rib thoracic dysplasia 9 with or without polydactyly; Renal dysplasia, retinal pigmentary dystrophy, cerebellar ataxia and skeletal dysplasia. Identifiers: Orphanet 140969, MedGen C1849437, MONDO:0009964, OMIM 266920.

Submissions (4):

Labcorp Genetics (formerly Invitae), Labcorp
Classification: Likely benign for Saldino-Mainzer syndrome. Last evaluated: 2026-01-24. Review status: criteria provided, single submitter. Criteria: Invitae Variant Classification Sherloc (09022015). Collection method: clinical testing. Allele origin: germline.

Blueprint Genetics
Classification: Likely benign. Last evaluated: 2024-02-26. Review status: criteria provided, single submitter. Criteria: ACMG Guidelines, 2015. Collection method: clinical testing. Allele origin: germline.

Dept Of Ophthalmology, Nagoya University
Classification: Likely benign for Retinal dystrophy. Last evaluated: 2023-10-01. Review status: criteria provided, single submitter. Criteria: Submitter's publication. Collection method: research. Allele origin: germline. Affected: yes.

PreventionGenetics, part of Exact Sciences
Classification: Likely benign for IFT140-related condition. Last evaluated: 2023-03-06. Review status: no assertion criteria provided. Collection method: clinical testing. Allele origin: germline. Not counted in ClinVar's aggregate classification.
Comment: This variant is classified as likely benign based on ACMG/AMP sequence variant interpretation guidelines (Richards et al. 2015 PMID: 25741868, with internal and published modifications).